The following is an entry in ClinVar:

ClinVar aggregate classification (germline): Likely benign (0 of 4 stars; one submission).

Conditions:
MICOS13-related disorder. Also called: MICOS13-related condition.

Allele frequency attached by ClinVar (database versions not stated): gnomAD 0.00001; TOPMed 0.00002.

Submission:

PreventionGenetics, part of Exact Sciences
Classification: Likely benign for MICOS13-related condition. Last evaluated: 2022-10-27. Review status: no assertion criteria provided. Collection method: clinical testing. Allele origin: germline.
Comment: This variant is classified as likely benign based on ACMG/AMP sequence variant interpretation guidelines (Richards et al. 2015 PMID: 25741868, with internal and published modifications).

NM_205767.3(MICOS13):c.30-327C>T

Gene: MICOS13 (mitochondrial contact site and cristae organizing system subunit 13; minus strand). Cytogenetic location: 19p13.3.
Variant type: single nucleotide variant.
Coding change: c.30-327C>T on transcript NM_205767.3 (MANE Select); 327 bases into the intron before coding-DNA position 30, C replaced by T.
Molecular consequence: intron variant. On other transcripts: synonymous variant (2).
Genome position (GRCh38, 1-based): chr19:5,680,090, G>A on the plus strand (C>T on the coding strand, the complement: MICOS13 is on the minus strand). VCF-style: chr19-5680090-G-A. GRCh37 (hg19) VCF-style: chr19-5680101-G-A.
Other names: c.60C>T, p.Asp20= (NM_001308240.2, NM_001365761.2).
Identifiers: ClinVar variation 3047453 (VCV003047453.2), dbSNP rs1362426855, ClinGen allele CA631610466.